The following is an entry in ClinVar:

NM_000503.6(EYA1):c.830A>G (p.Tyr277Cys)

Gene: EYA1 (EYA transcriptional coactivator and phosphatase 1; minus strand). Cytogenetic location: 8q13.3.
Variant type: single nucleotide variant.
Coding change: c.830A>G on transcript NM_000503.6 (MANE Select); coding-DNA position 830, A replaced by G.
Protein change: p.Tyr277Cys; replaces tyrosine 277 with cysteine.
Molecular consequence: missense variant.
Genome position (GRCh38, 1-based): chr8:71,271,894, T>C on the plus strand (A>G on the coding strand, the complement: EYA1 is on the minus strand). VCF-style: chr8-71271894-T-C. GRCh37 (hg19) VCF-style: chr8-72184129-T-C.
Other names: c.812A>G, p.Tyr271Cys (NM_001288574.2); c.464A>G, p.Tyr155Cys (NM_001288575.2); c.917A>G, p.Tyr306Cys (NM_001370333.1); c.830A>G, p.Tyr277Cys (NM_001370334.1, NM_001370335.1, NM_172058.4); c.899A>G, p.Tyr300Cys (NM_001370336.1); c.902A>G, p.Tyr301Cys (NM_172059.5); short protein forms Y306C, Y277C, Y155C, Y271C, Y300C, Y301C.
Identifiers: ClinVar variation 930025 (VCV000930025.6), dbSNP rs374772533, ClinGen allele CA179250751.

ClinVar aggregate classification (germline): Uncertain significance. Review status: criteria provided, multiple submitters, no conflicts (2 of 4 stars). 2 submissions from 2 submitters: Uncertain significance (2). Last evaluated 2024-04-08.

Conditions:
Otofaciocervical syndrome 1 (OTFCS). Identifiers: MedGen C3714941, MONDO:0024532, OMIM 166780.
Branchiootic syndrome 1 (BOS1). Also called: BO SYNDROME 1; BRANCHIOOTIC DYSPLASIA. Identifiers: MedGen C1865143, MONDO:0011258, OMIM 602588.
Branchiootorenal syndrome 1. Also called: Branchio-Oto-Renal Syndrome 1. Identifiers: Orphanet 107, MedGen C4551702, MONDO:0007236, OMIM 113650.

Allele frequency attached by ClinVar (database versions not stated): gnomAD exomes below 0.00001 and 0.00002; gnomAD 0.00001; TOPMed 0.00001; ESP Exome Variant Server 0.00008.
gnomAD v4.1: 35 of 1,614,108 alleles (0.0022%); highest among the groups gnomAD compares: Non-Finnish European, 0.0029%; no homozygotes.

Submissions (2):

Fulgent Genetics
Classification: Uncertain significance for Branchiootorenal syndrome 1; Otofaciocervical syndrome 1; Branchiootic syndrome 1. Last evaluated: 2024-04-08. Review status: criteria provided, single submitter. Criteria: ACMG Guidelines, 2015. Collection method: clinical testing. Allele origin: germline.

Laboratory for Molecular Medicine, Mass General Brigham Personalized Medicine
Classification: Uncertain significance. Last evaluated: 2019-11-26. Review status: criteria provided, single submitter. Criteria: LMM Criteria. Collection method: clinical testing. Allele origin: germline. Observed: 1 variant allele.
Comment: The p.Tyr277Cys variant in EYA1 has not been previously reported in individuals with branchiootorenal syndrome but has been identified in 0.002% (2/129180) of non-Finnish European chromosomes by gnomAD. Computational prediction tools and conservation analysis suggest that this variant may impact the protein, though this information is not predictive enough to determine pathogenicity. In summary, the clinical significance of this variant is uncertain. ACMG/AMP Criteria applied: PM2, PP3.